The following is an entry in ClinVar:

NM_001165963.4(SCN1A):c.4002+2493C>A

Genes: SCN1A (sodium voltage-gated channel alpha subunit 1; minus strand), LOC102724058 (uncharacterized LOC102724058; plus strand). Cytogenetic location: 2q24.3.
Variant type: single nucleotide variant.
Coding change: c.4002+2493C>A on transcript NM_001165963.4 (MANE Select); 2493 bases into the intron after coding-DNA position 4002, C replaced by A.
Molecular consequence: intron variant.
Genome position (GRCh38, 1-based): chr2:166,007,226, G>T on the plus strand (C>A on the coding strand, the complement: SCN1A is on the minus strand). VCF-style: chr2-166007226-G-T. GRCh37 (hg19) VCF-style: chr2-166863736-G-T.
Other names: c.3969+2493C>A (NM_001353949.2, NM_001353950.2, NM_001353951.2 and 2 more transcripts); c.3918+2493C>A (NM_001353958.2, NM_001353957.2, NM_001165964.3); c.4002+2493C>A (NM_001202435.3, NM_001353948.2); c.3966+2493C>A (NM_001353955.2, NM_001353954.2); c.3915+2493C>A (NM_001353960.2); c.1560+2493C>A (NM_001353961.2).
Identifiers: ClinVar variation 2743424 (VCV002743424.3), dbSNP rs1691785356, ClinGen allele CA1304846261.

ClinVar aggregate classification (germline): Uncertain significance (1 of 4 stars; one submission).

Conditions:
Early-infantile DEE. Also called: Early infantile epileptic encephalopathy with suppression bursts; Early infantile epileptic encephalopathy; Ohtahara syndrome. Identifiers: Orphanet 1934, MedGen C0393706, MONDO:0800491.

Submission:

Labcorp Genetics (formerly Invitae), Labcorp
Classification: Uncertain significance for Early-infantile DEE. Last evaluated: 2023-07-15. Review status: criteria provided, single submitter. Criteria: Invitae Variant Classification Sherloc (09022015). Collection method: clinical testing. Allele origin: germline.
Comment: In summary, the available evidence is currently insufficient to determine the role of this variant in disease. Therefore, it has been classified as a Variant of Uncertain Significance. Algorithms developed to predict the effect of sequence changes on RNA splicing suggest that this variant may create or strengthen a splice site. This variant has not been reported in the literature in individuals affected with SCN1A-related conditions. This variant is not present in population databases (gnomAD no frequency). This sequence change falls in intron 20 of the SCN1A gene. It does not directly change the encoded amino acid sequence of the SCN1A protein.